The following is an entry in ClinVar:

NM_001235.5(SERPINH1):c.1166T>C (p.Ile389Thr)

Gene: SERPINH1 (serpin family H member 1; plus strand). Cytogenetic location: 11q13.5.
Variant type: single nucleotide variant.
Coding change: c.1166T>C on transcript NM_001235.5 (MANE Select); coding-DNA position 1166, T replaced by C.
Protein change: p.Ile389Thr; replaces isoleucine 389 with threonine.
Molecular consequence: missense variant.
Genome position (GRCh38, 1-based): chr11:75,571,992, T>C. VCF-style: chr11-75571992-T-C. GRCh37 (hg19) VCF-style: chr11-75283037-T-C.
Other names: c.1166T>C, p.Ile389Thr (NM_001207014.3); short protein forms I389T.
Identifiers: ClinVar variation 1507248 (VCV001507248.8), dbSNP rs1942205049, ClinGen allele CA381885412.

ClinVar aggregate classification (germline): Uncertain significance (1 of 4 stars; one submission).

Submission:

Labcorp Genetics (formerly Invitae), Labcorp
Classification: Uncertain significance. Last evaluated: 2022-11-15. Review status: criteria provided, single submitter. Criteria: Invitae Variant Classification Sherloc (09022015). Collection method: clinical testing. Allele origin: germline.
Comment: This sequence change replaces isoleucine, which is neutral and non-polar, with threonine, which is neutral and polar, at codon 389 of the SERPINH1 protein (p.Ile389Thr). ClinVar contains an entry for this variant (Variation ID: 1507248). Advanced modeling of protein sequence and biophysical properties (such as structural, functional, and spatial information, amino acid conservation, physicochemical variation, residue mobility, and thermodynamic stability) performed at Invitae indicates that this missense variant is not expected to disrupt SERPINH1 protein function. In summary, the available evidence is currently insufficient to determine the role of this variant in disease. Therefore, it has been classified as a Variant of Uncertain Significance. This variant has not been reported in the literature in individuals affected with SERPINH1-related conditions. This variant is not present in population databases (gnomAD no frequency).